The following is an entry in ClinVar:

ClinVar aggregate classification (germline): Uncertain significance (1 of 4 stars; one submission).

Conditions:
Lymphoproliferative syndrome 1 (LPFS1). Identifiers: Orphanet 238505, Orphanet 538963, MedGen C3552634, MONDO:0013081, OMIM 613011.

Allele frequency attached by ClinVar (database versions not stated): gnomAD exomes below 0.00001; TOPMed below 0.00001; gnomAD 0.00001.
gnomAD v4.1: 2 of 1,613,770 alleles (0.00012%); highest among the groups gnomAD compares: Non-Finnish European, 0.00017%; no homozygotes.

Submission:

Labcorp Genetics (formerly Invitae), Labcorp
Classification: Uncertain significance for Lymphoproliferative syndrome 1. Last evaluated: 2021-10-25. Review status: criteria provided, single submitter. Criteria: Invitae Variant Classification Sherloc (09022015). Collection method: clinical testing. Allele origin: germline.
Comment: In summary, the available evidence is currently insufficient to determine the role of this variant in disease. Therefore, it has been classified as a Variant of Uncertain Significance. Algorithms developed to predict the effect of missense changes on protein structure and function (SIFT, PolyPhen-2, Align-GVGD) all suggest that this variant is likely to be disruptive. This variant has not been reported in the literature in individuals affected with ITK-related conditions. This variant is not present in population databases (ExAC no frequency). This sequence change replaces proline with serine at codon 580 of the ITK protein (p.Pro580Ser). The proline residue is highly conserved and there is a moderate physicochemical difference between proline and serine.

NM_005546.4(ITK):c.1738C>T (p.Pro580Ser)

Gene: ITK (IL2 inducible T cell kinase; plus strand). Cytogenetic location: 5q33.3.
Variant type: single nucleotide variant.
Coding change: c.1738C>T on transcript NM_005546.4 (MANE Select); coding-DNA position 1738, C replaced by T.
Protein change: p.Pro580Ser; replaces proline 580 with serine.
Molecular consequence: missense variant.
Genome position (GRCh38, 1-based): chr5:157,248,954, C>T. VCF-style: chr5-157248954-C-T. GRCh37 (hg19) VCF-style: chr5-156675964-C-T.
Other names: short protein forms P580S.
Identifiers: ClinVar variation 1500935 (VCV001500935.6), dbSNP rs1462558122, ClinGen allele CA361963863.